The following is an entry in ClinVar:

NM_004484.4(GPC3):c.1631C>G (p.Pro544Arg)

Gene: GPC3 (glypican 3; minus strand). Cytogenetic location: Xq26.2.
Variant type: single nucleotide variant.
Coding change: c.1631C>G on transcript NM_004484.4 (MANE Select); coding-DNA position 1631, C replaced by G.
Protein change: p.Pro544Arg; replaces proline 544 with arginine.
Molecular consequence: missense variant.
Genome position (GRCh38, 1-based): chrX:133,536,236, G>C on the plus strand (C>G on the coding strand, the complement: GPC3 is on the minus strand). VCF-style: chrX-133536236-G-C. GRCh37 (hg19) VCF-style: chrX-132670264-G-C.
Other names: c.1700C>G, p.Pro567Arg (NM_001164617.2); c.1583C>G, p.Pro528Arg (NM_001164618.2); c.1469C>G, p.Pro490Arg (NM_001164619.2); short protein forms P528R, P544R, P567R, P490R.
Identifiers: ClinVar variation 2827476 (VCV002827476.3), dbSNP rs375606908, ClinGen allele CA414703052.

ClinVar aggregate classification (germline): Uncertain significance (1 of 4 stars; one submission).

Conditions:
Wilms tumor 1 (WT1). Also called: Wilms tumor, somatic. Identifiers: Orphanet 654, MedGen CN033288, MONDO:0008679, OMIM 194070.

Submission:

Labcorp Genetics (formerly Invitae), Labcorp
Classification: Uncertain significance for Wilms tumor 1. Last evaluated: 2023-01-19. Review status: criteria provided, single submitter. Criteria: Invitae Variant Classification Sherloc (09022015). Collection method: clinical testing. Allele origin: germline.
Comment: In summary, the available evidence is currently insufficient to determine the role of this variant in disease. Therefore, it has been classified as a Variant of Uncertain Significance. Algorithms developed to predict the effect of missense changes on protein structure and function (SIFT, PolyPhen-2, Align-GVGD) all suggest that this variant is likely to be tolerated. This variant has not been reported in the literature in individuals affected with GPC3-related conditions. This variant is not present in population databases (gnomAD no frequency). This sequence change replaces proline, which is neutral and non-polar, with arginine, which is basic and polar, at codon 544 of the GPC3 protein (p.Pro544Arg).